The following is an entry in ClinVar:

ClinVar aggregate classification (germline): Uncertain significance (1 of 4 stars; one submission).

Submission:

Labcorp Genetics (formerly Invitae), Labcorp
Classification: Uncertain significance. Last evaluated: 2024-04-15. Review status: criteria provided, single submitter. Criteria: Invitae Variant Classification Sherloc (09022015). Collection method: clinical testing. Allele origin: germline.
Comment: This sequence change replaces aspartic acid, which is acidic and polar, with valine, which is neutral and non-polar, at codon 345 of the NNT protein (p.Asp345Val). This variant is not present in population databases (gnomAD no frequency). This variant has not been reported in the literature in individuals affected with NNT-related conditions. ClinVar contains an entry for this variant (Variation ID: 2019484). An algorithm developed to predict the effect of missense changes on protein structure and function (PolyPhen-2) suggests that this variant is likely to be disruptive. In summary, the available evidence is currently insufficient to determine the role of this variant in disease. Therefore, it has been classified as a Variant of Uncertain Significance.

NM_182977.3(NNT):c.1034A>T (p.Asp345Val)

Gene: NNT (nicotinamide nucleotide transhydrogenase; plus strand). Cytogenetic location: 5p12.
Variant type: single nucleotide variant.
Coding change: c.1034A>T on transcript NM_182977.3 (MANE Select); coding-DNA position 1034, A replaced by T.
Protein change: p.Asp345Val; replaces aspartic acid 345 with valine.
Molecular consequence: missense variant.
Genome position (GRCh38, 1-based): chr5:43,644,261, A>T. VCF-style: chr5-43644261-A-T. GRCh37 (hg19) VCF-style: chr5-43644363-A-T.
Other names: c.641A>T, p.Asp214Val (NM_001331026.2); c.1034A>T, p.Asp345Val (NM_012343.4); short protein forms D214V, D345V.
Identifiers: ClinVar variation 2019484 (VCV002019484.3), dbSNP rs2478489035, ClinGen allele CA359655357.